The following is an entry in ClinVar:

ClinVar aggregate classification (germline): Likely benign. Review status: criteria provided, multiple submitters, no conflicts (2 of 4 stars). 2 submissions from 2 submitters: Likely benign (2). Last evaluated 2026-07-01.

Allele frequency attached by ClinVar (database versions not stated): ESP Exome Variant Server 0.00008; gnomAD exomes below 0.00001 and 0.00003; ExAC 0.00001; gnomAD 0.00002; TOPMed 0.00002.
gnomAD v4.1: 54 of 1,613,808 alleles (0.0033%); highest among the groups gnomAD compares: Non-Finnish European, 0.0042%; no homozygotes.

Submissions (2):

CeGaT Center for Human Genetics Tuebingen
Classification: Likely benign. Last evaluated: 2026-07-01. Review status: criteria provided, single submitter. Criteria: CeGaT Center For Human Genetics Tuebingen Variant Classification Criteria Version 2. Collection method: clinical testing. Allele origin: germline. Affected: yes. Observed: 1 variant allele.
Comment: MAB21L2: BP4, BP7

Labcorp Genetics (formerly Invitae), Labcorp
Classification: Likely benign. Last evaluated: 2023-05-20. Review status: criteria provided, single submitter. Criteria: Invitae Variant Classification Sherloc (09022015). Collection method: clinical testing. Allele origin: germline.

NM_006439.5(MAB21L2):c.405G>T (p.Leu135=)

Genes: LRBA (LPS responsive beige-like anchor protein; minus strand), MAB21L2 (mab-21 like 2; plus strand). Cytogenetic location: 4q31.3.
Variant type: single nucleotide variant.
Coding change: c.405G>T on transcript NM_006439.5 (MANE Select); coding-DNA position 405, G replaced by T.
Protein change: p.Leu135=; no amino-acid change (leucine 135 retained).
Molecular consequence: synonymous variant. On other transcripts: intron variant (6).
Genome position (GRCh38, 1-based): chr4:150,583,434, G>T. VCF-style: chr4-150583434-G-T. GRCh37 (hg19) VCF-style: chr4-151504586-G-T.
Other names: c.6330+4614C>A (NM_001367550.1, NM_001199282.3, NM_001364905.1 and 1 more transcripts); c.6363+4614C>A (NM_006726.5, NM_001440430.1).
Identifiers: ClinVar variation 738340 (VCV000738340.7), dbSNP rs139691325, ClinGen allele CA3102058.